The following is an entry in ClinVar:

ClinVar aggregate classification (germline): Likely benign (1 of 4 stars; one submission).

Submission:

GeneDx
Classification: Likely benign. Last evaluated: 2017-07-03. Review status: criteria provided, single submitter. Criteria: GeneDx Variant Classification (06012015). Collection method: clinical testing. Allele origin: germline. Affected: yes.
Comment: This variant is considered likely benign or benign based on one or more of the following criteria: it is a conservative change, it occurs at a poorly conserved position in the protein, it is predicted to be benign by multiple in silico algorithms, and/or has population frequency not consistent with disease.

NM_017775.4(TTC19):c.424-21_424-20del

Gene: TTC19 (tetratricopeptide repeat domain 19; plus strand). Cytogenetic location: 17p12.
Variant type: Deletion.
Coding change: c.424-21_424-20del on transcript NM_017775.4 (MANE Select); 21 bases into the intron before coding-DNA position 424 through 20 bases into the intron before coding-DNA position 424, 2 bases deleted (CA; older notation c.424-21_424-20delCA).
Molecular consequence: intron variant.
Genome position (GRCh38, 1-based): chr17:16,002,772-16,002,773, CA deleted; deleting any 2 consecutive bases within chr17:16,002,771-16,002,773 gives the same sequence; the c. name uses the placement nearest the transcript's 3' end. VCF-style (leftmost placement, unchanged base first): chr17-16002770-AAC-A. GRCh37 (hg19) VCF-style: chr17-15906084-AAC-A.
Other names: c.103-21_103-20del (NM_001271420.2); c.424-21_424-20delCA (NM_017775.3).
Identifiers: ClinVar variation 518056 (VCV000518056.1), dbSNP rs772421073, ClinGen allele CA8407374.